The following is an entry in ClinVar:

NM_000135.4(FANCA):c.88G>A (p.Val30Ile)

Gene: FANCA (FA complementation group A; minus strand). Cytogenetic location: 16q24.3.
Variant type: single nucleotide variant.
Coding change: c.88G>A on transcript NM_000135.4 (MANE Select); coding-DNA position 88, G replaced by A.
Protein change: p.Val30Ile; replaces valine 30 with isoleucine.
Molecular consequence: missense variant.
Genome position (GRCh38, 1-based): chr16:89,815,978, C>T on the plus strand (G>A on the coding strand, the complement: FANCA is on the minus strand). VCF-style: chr16-89815978-C-T. GRCh37 (hg19) VCF-style: chr16-89882386-C-T.
Other names: c.88G>A, p.Val30Ile (NM_001018112.3, NM_001286167.3, NM_001351830.2); short protein forms V30I.
Identifiers: ClinVar variation 961409 (VCV000961409.7), dbSNP rs1160471115, ClinGen allele CA397483772.

ClinVar aggregate classification (germline): Uncertain significance. Review status: criteria provided, multiple submitters, no conflicts (2 of 4 stars). 3 submissions from 3 submitters: Uncertain significance (2). 1 of the submissions does not count toward it. Last evaluated 2025-02-02.

Conditions:
Inborn genetic diseases. Identifiers: MedGen C0950123, MeSH D030342.
Fanconi anemia (FA). Also called: Fanconi's anemia. Identifiers: Orphanet 84, MedGen C0015625, MeSH D005199, MONDO:0019391.

Allele frequency attached by ClinVar (database versions not stated): gnomAD 0.00002; TOPMed 0.00002.
gnomAD v4.1: 9 of 1,613,084 alleles (0.00056%); highest among the groups gnomAD compares: African/African-American, 0.0013%; no homozygotes.

Submissions (3):

Ambry Genetics
Classification: Uncertain significance for Inborn genetic diseases. Last evaluated: 2025-02-02. Review status: criteria provided, single submitter. Criteria: Ambry Variant Classification Scheme 2023. Collection method: clinical testing. Allele origin: germline.
Comment: The p.V30I variant (also known as c.88G>A), located in coding exon 2 of the FANCA gene, results from a G to A substitution at nucleotide position 88. The valine at codon 30 is replaced by isoleucine, an amino acid with highly similar properties. This amino acid position is conserved. In addition, this alteration is predicted to be tolerated by in silico analysis. Based on the available evidence, the clinical significance of this variant remains unclear.

Labcorp Genetics (formerly Invitae), Labcorp
Classification: Uncertain significance for Fanconi anemia. Last evaluated: 2022-09-22. Review status: criteria provided, single submitter. Criteria: Invitae Variant Classification Sherloc (09022015). Collection method: clinical testing. Allele origin: germline.
Comment: This sequence change replaces valine, which is neutral and non-polar, with isoleucine, which is neutral and non-polar, at codon 30 of the FANCA protein (p.Val30Ile). This variant is not present in population databases (gnomAD no frequency). This variant has not been reported in the literature in individuals affected with FANCA-related conditions. ClinVar contains an entry for this variant (Variation ID: 961409). Algorithms developed to predict the effect of missense changes on protein structure and function (SIFT, PolyPhen-2, Align-GVGD) all suggest that this variant is likely to be tolerated. In summary, the available evidence is currently insufficient to determine the role of this variant in disease. Therefore, it has been classified as a Variant of Uncertain Significance.

Natera, Inc.
Classification: Uncertain significance for Fanconi anemia. Last evaluated: 2020-03-18. Review status: no assertion criteria provided. Collection method: clinical testing. Allele origin: germline. Not counted in ClinVar's aggregate classification.